The following is an entry in ClinVar:

NM_001395413.1(POR):c.304G>A (p.Ala102Thr)

Gene: POR (cytochrome p450 oxidoreductase; plus strand). Cytogenetic location: 7q11.23.
Variant type: single nucleotide variant.
Coding change: c.304G>A on transcript NM_001395413.1 (MANE Select); coding-DNA position 304, G replaced by A.
Protein change: p.Ala102Thr; replaces alanine 102 with threonine.
Molecular consequence: missense variant.
Genome position (GRCh38, 1-based): chr7:75,979,526, G>A. VCF-style: chr7-75979526-G-A. GRCh37 (hg19) VCF-style: chr7-75608844-G-A.
Other names: c.313G>A, p.Ala105Thr (NM_000941.2, NM_000941.3); c.304G>A, p.Ala102Thr (NM_001367562.3, NM_001382657.2, NM_001382658.3 and 2 more transcripts); c.358G>A, p.Ala120Thr (NM_001382655.3); short protein forms A102T, A105T, A120T.
Identifiers: ClinVar variation 2080202 (VCV002080202.3), dbSNP rs375997962, ClinGen allele CA4303580.
Genomic context (GRCh38, chr7:75,979,526, plus strand): 5'-GTGTTCTACGGCTCCCAGACGGGGACTGCAGAGGAGTTTGCCAACCGCCTGTCCAAGGAC[G>A]CCCACCGCTACGGGATGCGAGGCATGTCAGCGGACCCTGAGGAGTATGACCTGGTAAGCT-3'
Protein context (NP_001382342.1, residues 92-112): EEFANRLSKD[Ala102Thr]HRYGMRGMSA

ClinVar aggregate classification (germline): Uncertain significance. Review status: criteria provided, multiple submitters, no conflicts (2 of 4 stars). 2 submissions from 2 submitters: Uncertain significance (2). Last evaluated 2025-07-02.

Conditions:
Inborn genetic diseases. Identifiers: MedGen C0950123, MeSH D030342.
Congenital adrenal hyperplasia due to cytochrome P450 oxidoreductase deficiency. Also called: DISORDERED STEROIDOGENESIS DUE TO POR DEFICIENCY. Identifiers: Orphanet 95699, MedGen C1860042, MONDO:0013310, OMIM 613571.

Allele frequency attached by ClinVar (database versions not stated): ExAC 0.00003; gnomAD exomes 0.00003; TOPMed 0.00003; gnomAD 0.00004; ESP Exome Variant Server 0.00016.
gnomAD v4.1: 56 of 1,613,488 alleles (0.0035%); highest among the groups gnomAD compares: Middle Eastern, 0.016%; 1 homozygote.

Submissions (2):

Ambry Genetics
Classification: Uncertain significance for Inborn genetic diseases. Last evaluated: 2025-07-02. Review status: criteria provided, single submitter. Criteria: Ambry Variant Classification Scheme 2023. Collection method: clinical testing. Allele origin: germline.

Labcorp Genetics (formerly Invitae), Labcorp
Classification: Uncertain significance for Congenital adrenal hyperplasia due to cytochrome P450 oxidoreductase deficiency. Last evaluated: 2024-06-17. Review status: criteria provided, single submitter. Criteria: Invitae Variant Classification Sherloc (09022015). Collection method: clinical testing. Allele origin: germline.
Comment: This sequence change replaces alanine, which is neutral and non-polar, with threonine, which is neutral and polar, at codon 105 of the POR protein (p.Ala105Thr). This variant is present in population databases (rs375997962, gnomAD 0.006%). This variant has not been reported in the literature in individuals affected with POR-related conditions. ClinVar contains an entry for this variant (Variation ID: 2080202). Advanced modeling of protein sequence and biophysical properties (such as structural, functional, and spatial information, amino acid conservation, physicochemical variation, residue mobility, and thermodynamic stability) performed at Invitae indicates that this missense variant is not expected to disrupt POR protein function with a negative predictive value of 80%. In summary, the available evidence is currently insufficient to determine the role of this variant in disease. Therefore, it has been classified as a Variant of Uncertain Significance.